The following is an entry in ClinVar:

ClinVar aggregate classification (germline): Uncertain significance. Review status: criteria provided, multiple submitters, no conflicts (2 of 4 stars). 2 submissions from 2 submitters: Uncertain significance (2). Last evaluated 2024-09-12.

Conditions:
Inborn genetic diseases. Identifiers: MedGen C0950123, MeSH D030342.
Hereditary sensory and autonomic neuropathy type 7. Also called: Neuropathy, hereditary sensory and autonomic, type VII; HSAN VII. Identifiers: Orphanet 391397, MedGen C3809882, MONDO:0014244, OMIM 615548.
Familial episodic pain syndrome with predominantly lower limb involvement. Also called: Episodic pain syndrome, familial, 3. Identifiers: Orphanet 391384, Orphanet 391392, MedGen C3809899, MONDO:0014247, OMIM 615552.

Allele frequency attached by ClinVar (database versions not stated): ExAC 0.00001; gnomAD 0.00001; TOPMed 0.00001.
gnomAD v4.1: 159 of 1,613,530 alleles (0.0099%); highest among the groups gnomAD compares: Non-Finnish European, 0.013%; 1 homozygote.

Submissions (2):

Labcorp Genetics (formerly Invitae), Labcorp
Classification: Uncertain significance for Familial episodic pain syndrome with predominantly lower limb involvement; Hereditary sensory and autonomic neuropathy type 7. Last evaluated: 2024-09-12. Review status: criteria provided, single submitter. Criteria: Invitae Variant Classification Sherloc (09022015). Collection method: clinical testing. Allele origin: germline.
Comment: This sequence change replaces cysteine, which is neutral and slightly polar, with phenylalanine, which is neutral and non-polar, at codon 1434 of the SCN11A protein (p.Cys1434Phe). This variant is present in population databases (rs765274047, gnomAD 0.007%). This variant has not been reported in the literature in individuals affected with SCN11A-related conditions. ClinVar contains an entry for this variant (Variation ID: 1513016). Invitae Evidence Modeling of protein sequence and biophysical properties (such as structural, functional, and spatial information, amino acid conservation, physicochemical variation, residue mobility, and thermodynamic stability) indicates that this missense variant is not expected to disrupt SCN11A protein function with a negative predictive value of 80%. In summary, the available evidence is currently insufficient to determine the role of this variant in disease. Therefore, it has been classified as a Variant of Uncertain Significance.

Ambry Genetics
Classification: Uncertain significance for Inborn genetic diseases. Last evaluated: 2022-09-06. Review status: criteria provided, single submitter. Criteria: Ambry Variant Classification Scheme 2023. Collection method: clinical testing. Allele origin: germline.

NM_001349253.2(SCN11A):c.4301G>T (p.Cys1434Phe)

Gene: SCN11A (sodium voltage-gated channel alpha subunit 11; minus strand). Cytogenetic location: 3p22.2.
Variant type: single nucleotide variant.
Coding change: c.4301G>T on transcript NM_001349253.2 (MANE Select); coding-DNA position 4301, G replaced by T.
Protein change: p.Cys1434Phe; replaces cysteine 1434 with phenylalanine.
Molecular consequence: missense variant.
Genome position (GRCh38, 1-based): chr3:38,850,507, C>A on the plus strand (G>T on the coding strand, the complement: SCN11A is on the minus strand). VCF-style: chr3-38850507-C-A. GRCh37 (hg19) VCF-style: chr3-38891998-C-A.
Other names: c.4301G>T (NM_014139.2); c.4301G>T, p.Cys1434Phe (NM_014139.3); short protein forms C1434F.
Identifiers: ClinVar variation 1513016 (VCV001513016.7), dbSNP rs765274047, ClinGen allele CA2321559.